The following is an entry in ClinVar:

ClinVar aggregate classification (germline): Likely pathogenic (1 of 4 stars; one submission).

Conditions:
Familial hypercholesterolemia. Also called: Familial hypercholesterolaemia. Identifiers: MedGen C0020445, MONDO:0005439.

gnomAD v4.1: 1 of 1,612,312 alleles (0.000062%); highest among the groups gnomAD compares: Non-Finnish European, 0.000085%; no homozygotes.

Submission:

Natera, Inc.
Classification: Likely pathogenic for Familial hypercholesterolemia. Last evaluated: 2024-08-20. Review status: criteria provided, single submitter. Criteria: Natera Variant Classification Schema (03/2026). Collection method: clinical testing. Allele origin: germline.
Comment: The c.808C>T variant in LDLRAP1 is a nonsense variant predicted to introduce a stop codon at amino acid 270. This variant is expected to result in nonsense mediated decay, truncation, or a dysfunctional protein product. This variant is rare in the general population with a frequency below the threshold expected for the associated phenotype(s). Given the available evidence, this variant is classified as Likely Pathogenic.

NM_015627.3(LDLRAP1):c.808C>T (p.Gln270Ter)

Gene: LDLRAP1 (low density lipoprotein receptor adaptor protein 1; plus strand). Cytogenetic location: 1p36.11.
Variant type: single nucleotide variant.
Coding change: c.808C>T on transcript NM_015627.3 (MANE Select); coding-DNA position 808, C replaced by T.
Protein change: p.Gln270Ter; replaces glutamine 270 with a stop codon.
Molecular consequence: nonsense.
Genome position (GRCh38, 1-based): chr1:25,566,873, C>T. VCF-style: chr1-25566873-C-T. GRCh37 (hg19) VCF-style: chr1-25893364-C-T.
Other names: short protein forms Q270*.
Identifiers: ClinVar variation 4815880 (VCV004815880.1).